The following is an entry in ClinVar:

NM_000548.5(TSC2):c.4394A>G (p.Asp1465Gly)

Gene: TSC2 (TSC complex subunit 2; plus strand). Cytogenetic location: 16p13.3.
Variant type: single nucleotide variant.
Coding change: c.4394A>G on transcript NM_000548.5 (MANE Select); coding-DNA position 4394, A replaced by G.
Protein change: p.Asp1465Gly; replaces aspartic acid 1465 with glycine.
Molecular consequence: missense variant.
Genome position (GRCh38, 1-based): chr16:2,084,616, A>G. VCF-style: chr16-2084616-A-G. GRCh37 (hg19) VCF-style: chr16-2134617-A-G.
Other names: c.4193A>G, p.Asp1398Gly (NM_001077183.3); c.4325A>G, p.Asp1442Gly (NM_001114382.3); c.4085A>G, p.Asp1362Gly (NM_001318827.2); c.4049A>G, p.Asp1350Gly (NM_001318829.2); c.3662A>G, p.Asp1221Gly (NM_001318831.2); c.4226A>G, p.Asp1409Gly (NM_001318832.2); c.4196A>G, p.Asp1399Gly (NM_001363528.2); c.4262A>G, p.Asp1421Gly (NM_001370404.1); and 2 more; short protein forms D1221G, D1350G, D1362G, D1399G, D1465G, D1398G, D1421G, D1442G.
Identifiers: ClinVar variation 1501943 (VCV001501943.9), dbSNP rs2151535102, ClinGen allele CA394301931.

ClinVar aggregate classification (germline): Uncertain significance. Review status: criteria provided, multiple submitters, no conflicts (2 of 4 stars). 2 submissions from 2 submitters: Uncertain significance (2). Last evaluated 2026-06-21.

Conditions:
Tuberous sclerosis 2 (TSC2). Identifiers: Orphanet 805, MedGen C1860707, MONDO:0013199, OMIM 613254.
Hereditary cancer-predisposing syndrome. Also called: Hereditary Cancer Syndrome; Tumor predisposition; Neoplastic Syndromes, Hereditary; Hereditary neoplastic syndrome. Identifiers: Orphanet 140162, MedGen C0027672, MeSH D009386, MONDO:0015356.

Submissions (2):

Ambry Genetics
Classification: Uncertain significance for Hereditary cancer-predisposing syndrome. Last evaluated: 2026-06-21. Review status: criteria provided, single submitter. Criteria: Ambry Variant Classification Scheme 2023. Collection method: clinical testing. Allele origin: germline.
Comment: The p.D1465G variant (also known as c.4394A>G), located in coding exon 33 of the TSC2 gene, results from an A to G substitution at nucleotide position 4394. The aspartic acid at codon 1465 is replaced by glycine, an amino acid with similar properties. This amino acid position is conserved. In addition, the in silico prediction for this alteration is inconclusive. Based on the available evidence, the clinical significance of this variant remains unclear.

Labcorp Genetics (formerly Invitae), Labcorp
Classification: Uncertain significance for Tuberous sclerosis 2. Last evaluated: 2020-11-21. Review status: criteria provided, single submitter. Criteria: Invitae Variant Classification Sherloc (09022015). Collection method: clinical testing. Allele origin: germline.
Comment: Advanced modeling of protein sequence and biophysical properties (such as structural, functional, and spatial information, amino acid conservation, physicochemical variation, residue mobility, and thermodynamic stability) performed at Invitae indicates that this missense variant is not expected to disrupt TSC2 protein function. In summary, the available evidence is currently insufficient to determine the role of this variant in disease. Therefore, it has been classified as a Variant of Uncertain Significance. This variant has not been reported in the literature in individuals with TSC2-related conditions. This variant is not present in population databases (ExAC no frequency). This sequence change replaces aspartic acid with glycine at codon 1465 of the TSC2 protein (p.Asp1465Gly). The aspartic acid residue is moderately conserved and there is a moderate physicochemical difference between aspartic acid and glycine.